The following is an entry in ClinVar:

NM_001846.4(COL4A2):c.4673C>T (p.Ala1558Val)

Genes: COL4A2 (collagen type IV alpha 2 chain; plus strand), COL4A2-AS1 (COL4A2 antisense RNA 1; minus strand). Cytogenetic location: 13q34.
Variant type: single nucleotide variant.
Coding change: c.4673C>T on transcript NM_001846.4 (MANE Select); coding-DNA position 4673, C replaced by T.
Protein change: p.Ala1558Val; replaces alanine 1558 with valine.
Molecular consequence: missense variant.
Genome position (GRCh38, 1-based): chr13:110,508,013, C>T. VCF-style: chr13-110508013-C-T. GRCh37 (hg19) VCF-style: chr13-111160360-C-T.
Other names: p.Ala1558Val; short protein forms A1558V.
Identifiers: ClinVar variation 1524634 (VCV001524634.7), dbSNP rs374790851, ClinGen allele CA7050625.

ClinVar aggregate classification (germline): Uncertain significance. Review status: criteria provided, multiple submitters, no conflicts (2 of 4 stars). 2 submissions from 2 submitters: Uncertain significance (2). Last evaluated 2025-11-05.

Allele frequency attached by ClinVar (database versions not stated): gnomAD exomes 0.00002 and 0.00007; TOPMed 0.00002; ExAC 0.00006; ESP Exome Variant Server 0.00008.
gnomAD v4.1: 25 of 1,614,218 alleles (0.0015%); highest among the groups gnomAD compares: Admixed American, 0.028%; no homozygotes.

Submissions (2):

Labcorp Genetics (formerly Invitae), Labcorp
Classification: Uncertain significance. Last evaluated: 2025-11-05. Review status: criteria provided, single submitter. Criteria: Invitae Variant Classification Sherloc (09022015). Collection method: clinical testing. Allele origin: germline.
Comment: This sequence change replaces alanine, which is neutral and non-polar, with valine, which is neutral and non-polar, at codon 1558 of the COL4A2 protein (p.Ala1558Val). This variant is present in population databases (rs374790851, gnomAD 0.04%), and has an allele count higher than expected for a pathogenic variant. This variant has not been reported in the literature in individuals affected with COL4A2-related conditions. ClinVar contains an entry for this variant (Variation ID: 1524634). Invitae Evidence Modeling of protein sequence and biophysical properties (such as structural, functional, and spatial information, amino acid conservation, physicochemical variation, residue mobility, and thermodynamic stability) has been performed for this missense variant. However, the output from this modeling did not meet the statistical confidence thresholds required to predict the impact of this variant on COL4A2 protein function. In summary, the available evidence is currently insufficient to determine the role of this variant in disease. Therefore, it has been classified as a Variant of Uncertain Significance.

Mayo Clinic Laboratories, Mayo Clinic
Classification: Uncertain significance. Last evaluated: 2025-10-24. Review status: criteria provided, single submitter. Criteria: ACMG Guidelines, 2015. Collection method: clinical testing. Allele origin: germline. Observed: 1 variant allele.
Comment: PP3